The following is an entry in ClinVar:

NM_004526.4(MCM2):c.708C>G (p.Asp236Glu)

Gene: MCM2 (minichromosome maintenance complex component 2; plus strand). Cytogenetic location: 3q21.3.
Variant type: single nucleotide variant.
Coding change: c.708C>G on transcript NM_004526.4 (MANE Select); coding-DNA position 708, C replaced by G.
Protein change: p.Asp236Glu; replaces aspartic acid 236 with glutamic acid.
Molecular consequence: missense variant. On other transcripts: non-coding transcript variant (1).
Genome position (GRCh38, 1-based): chr3:127,606,152, C>G. VCF-style: chr3-127606152-C-G. GRCh37 (hg19) VCF-style: chr3-127324995-C-G.
Other names: short protein forms D236E.
Identifiers: ClinVar variation 4737397 (VCV004737397.1).

ClinVar aggregate classification (germline): Uncertain significance (1 of 4 stars; one submission).

gnomAD v4.1: 28 of 1,614,210 alleles (0.0017%); highest among the groups gnomAD compares: Middle Eastern, 0.049%; no homozygotes.

Submission:

Labcorp Genetics (formerly Invitae), Labcorp
Classification: Uncertain significance. Last evaluated: 2025-02-18. Review status: criteria provided, single submitter. Criteria: Invitae Variant Classification Sherloc (09022015). Collection method: clinical testing. Allele origin: germline.
Comment: This sequence change replaces aspartic acid, which is acidic and polar, with glutamic acid, which is acidic and polar, at codon 236 of the MCM2 protein (p.Asp236Glu). This variant is present in population databases (rs768479679, gnomAD 0.01%). This variant has not been reported in the literature in individuals affected with MCM2-related conditions. Invitae Evidence Modeling of protein sequence and biophysical properties (such as structural, functional, and spatial information, amino acid conservation, physicochemical variation, residue mobility, and thermodynamic stability) indicates that this missense variant is not expected to disrupt MCM2 protein function with a negative predictive value of 80%. In summary, the available evidence is currently insufficient to determine the role of this variant in disease. Therefore, it has been classified as a Variant of Uncertain Significance.